The following is an entry in ClinVar:

NM_001848.3(COL6A1):c.2116G>T (p.Ala706Ser)

Gene: COL6A1 (collagen type VI alpha 1 chain; plus strand). Cytogenetic location: 21q22.3.
Variant type: single nucleotide variant.
Coding change: c.2116G>T on transcript NM_001848.3 (MANE Select); coding-DNA position 2116, G replaced by T.
Protein change: p.Ala706Ser; replaces alanine 706 with serine.
Molecular consequence: missense variant.
Genome position (GRCh38, 1-based): chr21:46,002,267, G>T. VCF-style: chr21-46002267-G-T. GRCh37 (hg19) VCF-style: chr21-47422181-G-T.
Other names: short protein forms A706S.
Identifiers: ClinVar variation 2887419 (VCV002887419.7), dbSNP rs1002951946, ClinGen allele CA321978663.

ClinVar aggregate classification (germline): Conflicting classifications of pathogenicity. Review status: criteria provided, conflicting classifications (1 of 4 stars). 2 submissions from 2 submitters: Uncertain significance (1); Likely benign (1). Last evaluated 2026-03-01.

Conditions:
Bethlem myopathy 1A. Also called: Bethlem Muscular Dystrophy; MYOPATHY, BENIGN CONGENITAL, WITH CONTRACTURES; Bethlem myopathy 1. Identifiers: Orphanet 610, MedGen CN029274, MONDO:0024530, OMIM 158810.

Allele frequency attached by ClinVar (database versions not stated): gnomAD exomes below 0.00001; TOPMed below 0.00001.
gnomAD v4.1: 3 of 1,601,726 alleles (0.00019%); highest among the groups gnomAD compares: Non-Finnish European, 0.00025%; no homozygotes.

Submissions (2):

CeGaT Center for Human Genetics Tuebingen
Classification: Uncertain significance. Last evaluated: 2026-03-01. Review status: criteria provided, single submitter. Criteria: CeGaT Center For Human Genetics Tuebingen Variant Classification Criteria Version 2. Collection method: clinical testing. Allele origin: germline. Affected: yes. Observed: 1 variant allele.
Comment: COL6A1: PM2

Labcorp Genetics (formerly Invitae), Labcorp
Classification: Likely benign for Bethlem myopathy 1A. Last evaluated: 2026-01-24. Review status: criteria provided, single submitter. Criteria: Invitae Variant Classification Sherloc (09022015). Collection method: clinical testing. Allele origin: germline.